The following is an entry in ClinVar:

ClinVar aggregate classification (germline): Uncertain significance (1 of 4 stars; one submission).

Submission:

GeneDx
Classification: Uncertain significance. Last evaluated: 2022-01-19. Review status: criteria provided, single submitter. Criteria: GeneDx Variant Classification Process June 2021. Collection method: clinical testing. Allele origin: germline. Affected: yes.
Comment: Not observed at significant frequency in large population cohorts (gnomAD); In silico analysis supports that this missense variant does not alter protein structure/function; Has not been previously published as pathogenic or benign to our knowledge

NM_003097.6(SNRPN):c.481A>G (p.Ile161Val)

Genes: SNHG14 (small nucleolar RNA host gene 14; plus strand), SNRPN (small nuclear ribonucleoprotein polypeptide N; plus strand), SNURF (SNRPN upstream open reading frame; plus strand). Cytogenetic location: 15q11.2.
Variant type: single nucleotide variant.
Coding change: c.481A>G on transcript NM_003097.6 (MANE Select); coding-DNA position 481, A replaced by G.
Protein change: p.Ile161Val; replaces isoleucine 161 with valine.
Molecular consequence: missense variant. On other transcripts: 3 prime UTR variant (1), non-coding transcript variant (1).
Genome position (GRCh38, 1-based): chr15:24,977,838, A>G. VCF-style: chr15-24977838-A-G. GRCh37 (hg19) VCF-style: chr15-25222985-A-G.
Other names: c.481A>G, p.Ile161Val (NM_001400689.1, NM_001400690.1, NM_001400691.1 and 99 more transcripts); c.*669A>G (NM_005678.5); c.457A>G, p.Ile153Val (NM_001400767.1, NM_001378256.1, NM_001378257.1); c.217A>G, p.Ile73Val (NM_001400768.1); c.493A>G, p.Ile165Val (NM_001378251.1, NM_001378252.1, NM_001378253.1 and 2 more transcripts); short protein forms I153V, I161V, I165V, I73V.
Identifiers: ClinVar variation 1698151 (VCV001698151.2), dbSNP rs2153715440, ClinGen allele CA391341866.